The following is an entry in ClinVar:

NM_001080453.3(INTS1):c.4952C>T (p.Ala1651Val)

Gene: INTS1 (integrator complex subunit 1; minus strand). Cytogenetic location: 7p22.3.
Variant type: single nucleotide variant.
Coding change: c.4952C>T on transcript NM_001080453.3 (MANE Select); coding-DNA position 4952, C replaced by T.
Protein change: p.Ala1651Val; replaces alanine 1651 with valine.
Molecular consequence: missense variant.
Genome position (GRCh38, 1-based): chr7:1,476,905, G>A on the plus strand (C>T on the coding strand, the complement: INTS1 is on the minus strand). VCF-style: chr7-1476905-G-A. GRCh37 (hg19) VCF-style: chr7-1516541-G-A.
Other names: short protein forms A1651V.
Identifiers: ClinVar variation 4527141 (VCV004527141.1).

ClinVar aggregate classification (germline): Uncertain significance (1 of 4 stars; one submission).

Submission:

GeneDx
Classification: Uncertain significance. Last evaluated: 2025-04-25. Review status: criteria provided, single submitter. Criteria: GeneDx Variant Classification Process June 2021. Collection method: clinical testing. Allele origin: germline. Affected: yes.
Comment: Not observed at significant frequency in large population cohorts (gnomAD); In silico analysis indicates that this missense variant does not alter protein structure/function; Has not been previously published as pathogenic or benign to our knowledge